The following is an entry in ClinVar:

NM_013447.4(ADGRE2):c.1847G>A (p.Trp616Ter)

Gene: ADGRE2 (adhesion G protein-coupled receptor E2; minus strand). Cytogenetic location: 19p13.12.
Variant type: single nucleotide variant.
Coding change: c.1847G>A on transcript NM_013447.4 (MANE Select); coding-DNA position 1847, G replaced by A.
Protein change: p.Trp616Ter; replaces tryptophan 616 with a stop codon.
Molecular consequence: nonsense.
Genome position (GRCh38, 1-based): chr19:14,751,613, C>T on the plus strand (G>A on the coding strand, the complement: ADGRE2 is on the minus strand). VCF-style: chr19-14751613-C-T. GRCh37 (hg19) VCF-style: chr19-14862425-C-T.
Other names: c.1673G>A, p.Trp558Ter (NM_001271052.1); c.1700G>A, p.Trp567Ter (NM_152916.2); c.1568G>A, p.Trp523Ter (NM_152917.2); short protein forms W523*, W567*, W616*, W558*.
Identifiers: ClinVar variation 1965066 (VCV001965066.5), dbSNP rs2513035175, ClinGen allele CA404453067.

ClinVar aggregate classification (germline): Uncertain significance (1 of 4 stars; one submission).

Allele frequency attached by ClinVar (database versions not stated): gnomAD exomes below 0.00001.

Submission:

Labcorp Genetics (formerly Invitae), Labcorp
Classification: Uncertain significance. Last evaluated: 2022-08-29. Review status: criteria provided, single submitter. Criteria: Invitae Variant Classification Sherloc (09022015). Collection method: clinical testing. Allele origin: germline.
Comment: This sequence change creates a premature translational stop signal (p.Trp616*) in the ADGRE2 gene. It is expected to result in an absent or disrupted protein product. However, the current clinical and genetic evidence is not sufficient to establish whether loss-of-function variants in ADGRE2 cause disease. This variant is not present in population databases (gnomAD no frequency). This variant has not been reported in the literature in individuals affected with ADGRE2-related conditions. In summary, the available evidence is currently insufficient to determine the role of this variant in disease. Therefore, it has been classified as a Variant of Uncertain Significance.